The following is an entry in ClinVar:

NM_014639.4(SKIC3):c.3940G>A (p.Glu1314Lys)

Gene: SKIC3 (SKI3 subunit of superkiller complex; minus strand). Cytogenetic location: 5q15.
Variant type: single nucleotide variant.
Coding change: c.3940G>A on transcript NM_014639.4 (MANE Select); coding-DNA position 3940, G replaced by A.
Protein change: p.Glu1314Lys; replaces glutamic acid 1314 with lysine.
Molecular consequence: missense variant.
Genome position (GRCh38, 1-based): chr5:95,484,837, C>T on the plus strand (G>A on the coding strand, the complement: SKIC3 is on the minus strand). VCF-style: chr5-95484837-C-T. GRCh37 (hg19) VCF-style: chr5-94820541-C-T.
Other names: short protein forms E1314K.
Identifiers: ClinVar variation 282223 (VCV000282223.22), dbSNP rs74664147, ClinGen allele CA3346536.

ClinVar aggregate classification (germline): Conflicting classifications of pathogenicity. Review status: criteria provided, conflicting classifications (1 of 4 stars). 6 submissions from 6 submitters: Uncertain significance (2); Benign (1); Likely benign (2). 1 of the submissions does not count toward it. Last evaluated 2026-01-20.

Conditions:
SKIC3-related disorder. Also called: SKIC3-related condition.

Allele frequency attached by ClinVar (database versions not stated): gnomAD exomes 0.00034 and 0.00076; ExAC 0.00087; gnomAD 0.00197 and 0.00203; ESP Exome Variant Server 0.00208; TOPMed 0.00222; 1000 Genomes Project 0.00280; 1000 Genomes Project 30x 0.00297.
gnomAD v4.1: 805 of 1,613,870 alleles (0.05%); highest among the groups gnomAD compares: African/African-American, 0.6%; 4 homozygotes.

Submissions (6):

Labcorp Genetics (formerly Invitae), Labcorp
Classification: Likely benign. Last evaluated: 2026-01-20. Review status: criteria provided, single submitter. Criteria: Invitae Variant Classification Sherloc (09022015). Collection method: clinical testing. Allele origin: germline.

Blueprint Genetics
Classification: Likely benign. Last evaluated: 2024-11-07. Review status: criteria provided, single submitter. Criteria: ACMG Guidelines, 2015. Collection method: clinical testing. Allele origin: germline.

ARUP Laboratories, Molecular Genetics and Genomics, ARUP Laboratories
Classification: Uncertain significance. Last evaluated: 2024-10-11. Review status: criteria provided, single submitter. Criteria: ARUP Molecular Germline Variant Investigation Process 2024. Collection method: clinical testing. Allele origin: germline.
Comment: The TTC37, also known as SKIC3, c.3940G>A; p.Glu1314Lys variant (rs74664147) is not reported in the literature in TTC37-related disorders, but is reported in ClinVar (Variation ID: 282223). This variant is found in the general population with an overall allele frequency of 0.092% (260/282720 alleles, including 1 homozygote) in the Genome Aggregation Database (v2.1.1). Computational analyses are uncertain whether this variant is neutral or deleterious (REVEL: 0.167). Due to limited information, the clinical significance of this variant is uncertain at this time.

GeneDx
Classification: Uncertain significance. Last evaluated: 2020-02-24. Review status: criteria provided, single submitter. Criteria: GeneDx Variant Classification Process June 2021. Collection method: clinical testing. Allele origin: germline. Affected: yes.
Comment: In silico analysis supports that this missense variant does not alter protein structure/function; Has not been previously published as pathogenic or benign to our knowledge

Eurofins Ntd Llc (ga)
Classification: Benign. Last evaluated: 2015-09-11. Review status: criteria provided, single submitter. Criteria: EGL Classification Definitions 2015. Collection method: clinical testing. Allele origin: germline. Observed: 1 variant allele, 1 heterozygote.

PreventionGenetics, part of Exact Sciences
Classification: Likely benign for SKIC3-related condition. Last evaluated: 2019-11-25. Review status: no assertion criteria provided. Collection method: clinical testing. Allele origin: germline. Not counted in ClinVar's aggregate classification.
Comment: This variant is classified as likely benign based on ACMG/AMP sequence variant interpretation guidelines (Richards et al. 2015 PMID: 25741868, with internal and published modifications).